The following is an entry in ClinVar:

NM_006767.4(LZTR1):c.1541G>A (p.Arg514Gln)

Gene: LZTR1 (leucine zipper like post translational regulator 1; plus strand). Cytogenetic location: 22q11.21.
Variant type: single nucleotide variant.
Coding change: c.1541G>A on transcript NM_006767.4 (MANE Select); coding-DNA position 1541, G replaced by A.
Protein change: p.Arg514Gln; replaces arginine 514 with glutamine.
Molecular consequence: missense variant.
Genome position (GRCh38, 1-based): chr22:20,994,195, G>A. VCF-style: chr22-20994195-G-A. GRCh37 (hg19) VCF-style: chr22-21348484-G-A.
Other names: short protein forms R514Q.
Identifiers: ClinVar variation 1435090 (VCV001435090.11), dbSNP rs201687217, ClinGen allele CA10118935.

ClinVar aggregate classification (germline): Uncertain significance. Review status: criteria provided, multiple submitters, no conflicts (2 of 4 stars). 2 submissions from 2 submitters: Uncertain significance (2). Last evaluated 2025-12-31.

Conditions:
Hereditary cancer-predisposing syndrome. Also called: Neoplastic Syndromes, Hereditary; Hereditary Cancer Syndrome; Hereditary neoplastic syndrome; Tumor predisposition. Identifiers: Orphanet 140162, MedGen C0027672, MeSH D009386, MONDO:0015356.
Cardiovascular phenotype. Identifiers: MedGen CN230736.

Allele frequency attached by ClinVar (database versions not stated): TOPMed below 0.00001; ExAC 0.00001; gnomAD 0.00001 and 0.00003; 1000 Genomes Project 0.00040; 1000 Genomes Project 30x 0.00047.
gnomAD v4.1: 19 of 1,603,116 alleles (0.0012%); highest among the groups gnomAD compares: East Asian, 0.034%; no homozygotes.

Submissions (2):

Labcorp Genetics (formerly Invitae), Labcorp
Classification: Uncertain significance. Last evaluated: 2025-12-31. Review status: criteria provided, single submitter. Criteria: Invitae Variant Classification Sherloc (09022015). Collection method: clinical testing. Allele origin: germline.
Comment: This sequence change replaces arginine, which is basic and polar, with glutamine, which is neutral and polar, at codon 514 of the LZTR1 protein (p.Arg514Gln). The frequency data for this variant in the population databases is considered unreliable, as metrics indicate poor data quality at this position in the gnomAD database. This variant has not been reported in the literature in individuals affected with LZTR1-related conditions. ClinVar contains an entry for this variant (Variation ID: 1435090). Invitae Evidence Modeling of protein sequence and biophysical properties (such as structural, functional, and spatial information, amino acid conservation, physicochemical variation, residue mobility, and thermodynamic stability) indicates that this missense variant is not expected to disrupt LZTR1 protein function with a negative predictive value of 80%. In summary, the available evidence is currently insufficient to determine the role of this variant in disease. Therefore, it has been classified as a Variant of Uncertain Significance.

Ambry Genetics
Classification: Uncertain significance for Cardiovascular phenotype; Hereditary cancer-predisposing syndrome. Last evaluated: 2024-10-02. Review status: criteria provided, single submitter. Criteria: Ambry Variant Classification Scheme 2023. Collection method: clinical testing. Allele origin: germline.
Comment: The p.R514Q variant (also known as c.1541G>A), located in coding exon 14 of the LZTR1 gene, results from a G to A substitution at nucleotide position 1541. The arginine at codon 514 is replaced by glutamine, an amino acid with highly similar properties. This amino acid position is highly conserved in available vertebrate species. In addition, this alteration is predicted to be tolerated by in silico analysis. Since supporting evidence is limited at this time, the clinical significance of this alteration remains unclear.